The following is an entry in ClinVar:

ClinVar aggregate classification (germline): Pathogenic. Review status: reviewed by expert panel (3 of 4 stars). 6 submissions from 6 submitters: Pathogenic (1). 5 of the submissions do not count toward it. Last evaluated 2017-12-15.

Conditions:
Hereditary breast ovarian cancer syndrome. Also called: Hereditary breast and ovarian cancer syndrome (HBOC); BRCA1- and BRCA2-Associated Hereditary Breast and Ovarian Cancer; Hereditary breast and/or ovarian cancer syndrome; Hereditary breast and ovarian cancer syndrome; Hereditary breast and ovarian cancer; Breast and ovarian cancer. Identifiers: Orphanet 145, MedGen C0677776, MeSH D061325, MONDO:0003582. Disease mechanism: loss of function.
Hereditary cancer-predisposing syndrome. Also called: Neoplastic Syndromes, Hereditary; Hereditary neoplastic syndrome; Tumor predisposition; Hereditary Cancer Syndrome. Identifiers: Orphanet 140162, MedGen C0027672, MeSH D009386, MONDO:0015356.
Breast-ovarian cancer, familial, susceptibility to, 1 (BROVCA1). Also called: BRCA1 Hereditary Breast and Ovarian Cancer; OVARIAN CANCER, SUSCEPTIBILITY TO. Identifiers: Orphanet 145, MedGen C2676676, MONDO:0011450, OMIM 604370. Disease mechanism: loss of function.

Submissions (6):

Evidence-based Network for the Interpretation of Germline Mutant Alleles (ENIGMA)
Classification: Pathogenic for Breast-ovarian cancer, familial, susceptibility to, 1. Last evaluated: 2017-12-15. Review status: reviewed by expert panel. Criteria: ENIGMA BRCA1/2 Classification Criteria (2017-06-29). Collection method: curation. Allele origin: germline. Study: ENIGMA.
Comment: Variant allele predicted to encode a truncated non-functional protein.

Labcorp Genetics (formerly Invitae), Labcorp
Classification: Pathogenic for Hereditary breast ovarian cancer syndrome. Last evaluated: 2025-08-10. Review status: criteria provided, single submitter. Criteria: Invitae Variant Classification Sherloc (09022015). Collection method: clinical testing. Allele origin: germline. Not counted in ClinVar's aggregate classification.
Comment: This sequence change creates a premature translational stop signal (p.Leu138Serfs*4) in the BRCA1 gene. It is expected to result in an absent or disrupted protein product. Loss-of-function variants in BRCA1 are known to be pathogenic (PMID: 20104584). This variant is not present in population databases (gnomAD no frequency). This premature translational stop signal has been observed in individual(s) with ovarian cancer (PMID: 28975465). ClinVar contains an entry for this variant (Variation ID: 441309). For these reasons, this variant has been classified as Pathogenic.

GeneDx
Classification: Pathogenic. Last evaluated: 2025-05-15. Review status: criteria provided, single submitter. Criteria: GeneDx Variant Classification Process June 2021. Collection method: clinical testing. Allele origin: germline. Affected: yes. Not counted in ClinVar's aggregate classification.
Comment: Frameshift variant predicted to result in protein truncation or nonsense mediated decay in a gene for which loss of function is a known mechanism of disease; Observed in an individual with ovarian cancer (PMID: 28975465); Not observed at significant frequency in large population cohorts (gnomAD); Truncating variants in this gene are considered pathogenic by a well-established clinical consortium and/or database; Also known as 530dupT; This variant is associated with the following publications: (PMID: 28975465, 31209999)

Revvity Omics, Revvity
Classification: Likely pathogenic. Last evaluated: 2023-04-10. Review status: criteria provided, single submitter. Criteria: ACMG Guidelines, 2015. Collection method: clinical testing. Allele origin: germline. Not counted in ClinVar's aggregate classification.

Ambry Genetics
Classification: Pathogenic for Hereditary cancer-predisposing syndrome. Last evaluated: 2021-09-13. Review status: criteria provided, single submitter. Criteria: Ambry Variant Classification Scheme 2023. Collection method: clinical testing. Allele origin: germline. Not counted in ClinVar's aggregate classification.
Comment: The c.411dupT pathogenic mutation, located in coding exon 5 of the BRCA1 gene, results from a duplication of T at nucleotide position 411, causing a translational frameshift with a predicted alternate stop codon (p.L138Sfs*4). In addition to the clinical data presented in the literature, this alteration is expected to result in loss of function by premature protein truncation or nonsense-mediated mRNA decay. As such, this alteration is interpreted as a disease-causing mutation.

KCCC/NGS Laboratory, Kuwait Cancer Control Center
Classification: Pathogenic for Breast-ovarian cancer, familial, susceptibility to, 1. Last evaluated: 2023-05-05. Review status: no assertion criteria provided. Collection method: clinical testing. Allele origin: germline. Affected: yes. Not counted in ClinVar's aggregate classification.
Comment: This sequence change creates a premature translational stop signal (p.Leu138Serfs*4) in the BRCA1 gene. It is expected to result in an absent or disrupted protein product. This variant is not present in population databases (gnomAD genomes). This variant has not been reported in the literature in individuals with BRCA1-related disease. ClinVar contains an entry for this variant (Variation ID: 441309) with 4 submissions, all of which describe it as pathogenic, 3 stars, and reviewed by an expert panel. Loss-of-function variants in BRCA1 are known to be pathogenic (PMID: 20104584). Therefore, this variant has been classified as Pathogenic.

Literature cited by the submitters: PubMed 20104584 (cited by Labcorp Genetics (formerly Invitae), Labcorp and KCCC/NGS Laboratory, Kuwait Cancer Control Center); PubMed 28975465 (cited by Labcorp Genetics (formerly Invitae), Labcorp and Ambry Genetics); PubMed 31209999 (cited by Ambry Genetics).

NM_007294.4(BRCA1):c.411dup (p.Leu138fs)

Gene: BRCA1 (BRCA1 DNA repair associated; minus strand). Cytogenetic location: 17q21.31.
Variant type: Duplication.
Coding change: c.411dup on transcript NM_007294.4 (MANE Select); coding-DNA position 411, one base duplicated (T; older notation c.411dupT).
Protein change: p.Leu138fs; shifts the reading frame from leucine 138.
Molecular consequence: frameshift variant. On other transcripts: non-coding transcript variant (1).
Genome position (GRCh38, 1-based): chr17:43,104,152, A duplicated on the plus strand (T on the coding strand, the reverse complement: BRCA1 is on the minus strand); the first of 2 consecutive A bases (chr17:43,104,152-43,104,153); duplicating either gives the same sequence. VCF-style (leftmost placement, unchanged base first): chr17-43104151-G-GA. GRCh37 (hg19) VCF-style: chr17-41256168-G-GA.
Other names: c.411dupT (NM_007294.3); c.200dup, p.Leu68Serfs (NM_001407571.1, NM_001407853.1, NM_001407879.1 and 58 more transcripts); c.410dup, p.Leu138Serfs (NM_001407581.1, NM_001407582.1, NM_001407583.1 and 163 more transcripts); c.401dup, p.Leu135Serfs (NM_001407646.1, NM_001407647.1, NM_001408408.1); c.332dup, p.Leu112Serfs (NM_001407653.1, NM_001407654.1, NM_001407655.1 and 21 more transcripts); c.269dup, p.Leu91Serfs (NM_001407692.1, NM_001407694.1, NM_001407695.1 and 98 more transcripts); c.29dup, p.Leu11Serfs (NM_001407959.1, NM_001407960.1, NM_001407962.1 and 4 more transcripts); c.278dup, p.Leu94Serfs (NM_001408451.1); and 4 more; short protein forms L91fs, L138fs.
Identifiers: ClinVar variation 441309 (VCV000441309.21), dbSNP rs886040205, ClinGen allele CA658653689.